The following is an entry in ClinVar:

NM_001130987.2(DYSF):c.559G>A (p.Gly187Arg)

Gene: DYSF (dysferlin; plus strand). Cytogenetic location: 2p13.2.
Variant type: single nucleotide variant.
Coding change: c.559G>A on transcript NM_001130987.2 (MANE Select); coding-DNA position 559, G replaced by A.
Protein change: p.Gly187Arg; replaces glycine 187 with arginine.
Molecular consequence: missense variant.
Genome position (GRCh38, 1-based): chr2:71,513,721, G>A. VCF-style: chr2-71513721-G-A. GRCh37 (hg19) VCF-style: chr2-71740851-G-A.
Other names: p.Gly155Arg; c.466G>A, p.Gly156Arg (NM_001130455.2, NM_001130983.2, NM_001130984.2 and 1 more transcripts); c.463G>A, p.Gly155Arg (NM_001130976.2, NM_001130977.2, NM_001130978.2 and 1 more transcripts); c.556G>A, p.Gly186Arg (NM_001130979.2, NM_001130980.2, NM_001130981.2); c.559G>A, p.Gly187Arg (NM_001130982.2, NM_001130985.2); short protein forms G187R, G155R, G156R, G186R.
Identifiers: ClinVar variation 285148 (VCV000285148.23), dbSNP rs200970855, ClinGen allele CA1705380.

ClinVar aggregate classification (germline): Conflicting classifications of pathogenicity. Review status: criteria provided, conflicting classifications (1 of 4 stars). 7 submissions from 7 submitters: Uncertain significance (3); Likely benign (3). 1 of the submissions does not count toward it. Last evaluated 2026-01-13.

Conditions:
Autosomal recessive limb-girdle muscular dystrophy type 2B (LGMDR2). Also called: MUSCULAR DYSTROPHY, LIMB-GIRDLE, TYPE 3; MUSCULAR DYSTROPHY, LIMB-GIRDLE, AUTOSOMAL RECESSIVE 2; Limb-Girdle Muscular Dystrophy Type 2B (LGMD2B); Limb-girdle muscular dystrophy, type 2B. Identifiers: Orphanet 268, MedGen C1850889, MONDO:0009676, OMIM 253601.
Neuromuscular disease caused by qualitative or quantitative defects of dysferlin. Also called: Qualitative or quantitative defects of dysferlin; Dysferlinopathy. Identifiers: Orphanet 207073, MedGen C2931687, MONDO:0016145.

Allele frequency attached by ClinVar (database versions not stated): ExAC 0.00019; ESP Exome Variant Server 0.00023; gnomAD exomes 0.00033; gnomAD 0.00061 and 0.00062; TOPMed 0.00062.
gnomAD v4.1: 454 of 1,613,876 alleles (0.028%); highest among the groups gnomAD compares: Admixed American, 0.2%; 2 homozygotes.

Submissions (7):

Labcorp Genetics (formerly Invitae), Labcorp
Classification: Likely benign for Neuromuscular disease caused by qualitative or quantitative defects of dysferlin. Last evaluated: 2026-01-13. Review status: criteria provided, single submitter. Criteria: Invitae Variant Classification Sherloc (09022015). Collection method: clinical testing. Allele origin: germline.

Revvity Omics, Revvity
Classification: Uncertain significance. Last evaluated: 2025-04-04. Review status: criteria provided, single submitter. Criteria: ACMG Guidelines, 2015. Collection method: clinical testing. Allele origin: germline.

Blueprint Genetics
Classification: Likely benign. Last evaluated: 2024-11-07. Review status: criteria provided, single submitter. Criteria: ACMG Guidelines, 2015. Collection method: clinical testing. Allele origin: germline.

Mayo Clinic Laboratories, Mayo Clinic
Classification: Uncertain significance. Last evaluated: 2023-10-13. Review status: criteria provided, single submitter. Criteria: ACMG Guidelines, 2015. Collection method: clinical testing. Allele origin: germline. Observed: 1 variant allele.

GeneDx
Classification: Likely benign. Last evaluated: 2020-11-09. Review status: criteria provided, single submitter. Criteria: GeneDx Variant Classification Process June 2021. Collection method: clinical testing. Allele origin: germline. Affected: yes.
Comment: This variant is associated with the following publications: (PMID: 24838345, 26077850, 18853459, 25312915)

Eurofins Ntd Llc (ga)
Classification: Uncertain significance. Last evaluated: 2017-10-09. Review status: criteria provided, single submitter. Criteria: EGL Classification Definitions 2015. Collection method: clinical testing. Allele origin: germline. Observed: 2 variant alleles, 2 heterozygotes.

Natera, Inc.
Classification: Benign for Limb-girdle muscular dystrophy type 2B. Last evaluated: 2020-01-23. Review status: no assertion criteria provided. Collection method: clinical testing. Allele origin: germline. Not counted in ClinVar's aggregate classification.

Literature cited by the submitters: PubMed 18853459 (cited by Mayo Clinic Laboratories, Mayo Clinic); PubMed 24838345 (cited by Mayo Clinic Laboratories, Mayo Clinic); PubMed 25312915 (cited by Mayo Clinic Laboratories, Mayo Clinic); PubMed 26077850 (cited by Mayo Clinic Laboratories, Mayo Clinic); PubMed 27501525 (cited by Mayo Clinic Laboratories, Mayo Clinic); PubMed 30564623 (cited by Mayo Clinic Laboratories, Mayo Clinic).